The following is an entry in ClinVar:

NM_000311.5(PRNP):c.547A>G (p.Thr183Ala)

Gene: PRNP (prion protein (Kanno blood group); plus strand). Cytogenetic location: 20p13.
Variant type: single nucleotide variant.
Coding change: c.547A>G on transcript NM_000311.5 (MANE Select); coding-DNA position 547, A replaced by G.
Protein change: p.Thr183Ala; replaces threonine 183 with alanine.
Molecular consequence: missense variant. On other transcripts: 3 prime UTR variant (1).
Genome position (GRCh38, 1-based): chr20:4,699,767, A>G. VCF-style: chr20-4699767-A-G. GRCh37 (hg19) VCF-style: chr20-4680413-A-G.
Other names: c.547A>G, p.Thr183Ala (NM_001080121.3, NM_001080122.3, NM_001080123.3 and 1 more transcripts); c.*236A>G (NM_001271561.3); short protein forms T183A.
Identifiers: ClinVar variation 13407 (VCV000013407.5), dbSNP rs74315411, ClinGen allele CA123090.
Genomic context (GRCh38, chr20:4,699,767, plus strand): 5'-TACAGGCCCATGGATGAGTACAGCAACCAGAACAACTTTGTGCACGACTGCGTCAATATC[A>G]CAATCAAGCAGCACACGGTCACCACAACCACCAAGGGGGAGAACTTCACCGAGACCGACG-3'
Protein context (NP_000302.1, residues 173-193): NNFVHDCVNI[Thr183Ala]IKQHTVTTTT

ClinVar aggregate classification (germline): Pathogenic. Review status: criteria provided, multiple submitters, no conflicts (2 of 4 stars). 3 submissions from 3 submitters: Pathogenic (2). 1 of the submissions does not count toward it. Last evaluated 2025-07-07.

Conditions:
Huntington disease-like 1 (HDL1). Also called: HUNTINGTON-LIKE NEURODEGENERATIVE DISORDER 1; HUNTINGTON-LIKE NEURODEGENERATIVE DISORDER, AUTOSOMAL DOMINANT; PRION DISEASE, EARLY-ONSET, WITH PROMINENT PSYCHIATRIC FEATURES. Identifiers: Orphanet 157941, MedGen C1864112, MONDO:0011299, OMIM 603218.
Spongiform encephalopathy with neuropsychiatric features. Identifiers: MedGen C1847650, MONDO:0011703, OMIM 606688.

Submissions (3):

Dasa
Classification: Pathogenic. Last evaluated: 2025-07-07. Review status: criteria provided, single submitter. Criteria: DASA Assertion Criteria. Collection method: clinical testing. Allele origin: germline.
Comment: NM_000311.5(PRNP):c.547A>G (p.Thr183Ala) is a missense variant that results in the substitution of threonine with alanine. Segregation evidence has been reported in affected families. Functional evidence supports a deleterious effect on the gene or gene product (PMID: 10079068; PMID: 23527023; PMID: 26713717; PMID: 33731477; PMID: 9266722). This variant has been recurrently observed in individuals with related phenotype (PMID: 10079068; PMID: 23527023; PMID: 26713717; PMID: 33731477; PMID: 9266722). Multiple computational predictions support a deleterious effect on the gene or gene product. The variant is present at low frequency in population datasets. Based on the available data, this variant is classified as pathogenic.

Labcorp Genetics (formerly Invitae), Labcorp
Classification: Pathogenic for Huntington disease-like 1. Last evaluated: 2023-11-02. Review status: criteria provided, single submitter. Criteria: Invitae Variant Classification Sherloc (09022015). Collection method: clinical testing. Allele origin: germline.
Comment: This sequence change replaces threonine, which is neutral and polar, with alanine, which is neutral and non-polar, at codon 183 of the PRNP protein (p.Thr183Ala). This variant is not present in population databases (gnomAD no frequency). This missense change has been observed in individuals with dementia (PMID: 9266722, 10631141, 15558291). It has also been observed to segregate with disease in related individuals. ClinVar contains an entry for this variant (Variation ID: 13407). Advanced modeling of protein sequence and biophysical properties (such as structural, functional, and spatial information, amino acid conservation, physicochemical variation, residue mobility, and thermodynamic stability) performed at Invitae indicates that this missense variant is not expected to disrupt PRNP protein function with a negative predictive value of 80%. Experimental studies have shown that this missense change affects PRNP function (PMID: 10079068, 23527023, 26713717, 33731477). For these reasons, this variant has been classified as Pathogenic.

OMIM
Classification: Pathogenic for SPONGIFORM ENCEPHALOPATHY WITH NEUROPSYCHIATRIC FEATURES. Last evaluated: 1997-08-01. Review status: no assertion criteria provided. Collection method: literature only. Allele origin: germline. Not counted in ClinVar's aggregate classification.

Literature cited by the submitters: PubMed 10079068 (cited by Dasa and Labcorp Genetics (formerly Invitae), Labcorp); PubMed 23527023 (cited by Dasa and Labcorp Genetics (formerly Invitae), Labcorp); PubMed 26713717 (cited by Dasa and Labcorp Genetics (formerly Invitae), Labcorp); PubMed 33731477 (cited by Dasa and Labcorp Genetics (formerly Invitae), Labcorp); PubMed 9266722 (cited by 3 submitters); PubMed 10631141 (cited by Dasa and Labcorp Genetics (formerly Invitae), Labcorp); PubMed 15558291 (cited by Dasa and Labcorp Genetics (formerly Invitae), Labcorp).